The following is an entry in ClinVar:

NM_000642.3(AGL):c.4412C>T (p.Pro1471Leu)

Gene: AGL (amylo-alpha-1,6-glucosidase and 4-alpha-glucanotransferase; plus strand). Cytogenetic location: 1p21.2.
Variant type: single nucleotide variant.
Coding change: c.4412C>T on transcript NM_000642.3 (MANE Select); coding-DNA position 4412, C replaced by T.
Protein change: p.Pro1471Leu; replaces proline 1471 with leucine.
Molecular consequence: missense variant.
Genome position (GRCh38, 1-based): chr1:99,916,662, C>T. VCF-style: chr1-99916662-C-T. GRCh37 (hg19) VCF-style: chr1-100382218-C-T.
Other names: c.4412C>T, p.Pro1471Leu (NM_000028.3, NM_000643.3, NM_000644.3 and 1 more transcripts); c.4364C>T, p.Pro1455Leu (NM_000646.3); c.4391C>T, p.Pro1464Leu (NM_001425326.1); c.4211C>T, p.Pro1404Leu (NM_001425327.1); c.4208C>T, p.Pro1403Leu (NM_001425328.1); c.4073C>T, p.Pro1358Leu (NM_001425329.1); c.4034C>T, p.Pro1345Leu (NM_001425332.1); short protein forms P1455L, P1471L, P1345L, P1358L, P1403L, P1404L, P1464L.
Identifiers: ClinVar variation 1360139 (VCV001360139.5), dbSNP rs566536762, ClinGen allele CA967436.

ClinVar aggregate classification (germline): Uncertain significance (1 of 4 stars; one submission).

Conditions:
Glycogen storage disease type III (GSD3). Also called: FORBES DISEASE; Cori disease. Identifiers: Orphanet 366, MedGen C0017922, MONDO:0009291, OMIM 232400.

Allele frequency attached by ClinVar (database versions not stated): gnomAD 0.00001; gnomAD exomes 0.00001; ExAC 0.00002; TOPMed 0.00002; 1000 Genomes Project 0.00020; 1000 Genomes Project 30x 0.00031.
gnomAD v4.1: 13 of 1,612,792 alleles (0.00081%); highest among the groups gnomAD compares: Middle Eastern, 0.017%; no homozygotes.

Submission:

Labcorp Genetics (formerly Invitae), Labcorp
Classification: Uncertain significance for Glycogen storage disease type III. Last evaluated: 2021-08-31. Review status: criteria provided, single submitter. Criteria: Invitae Variant Classification Sherloc (09022015). Collection method: clinical testing. Allele origin: germline.
Comment: This sequence change replaces proline with leucine at codon 1471 of the AGL protein (p.Pro1471Leu). The proline residue is moderately conserved and there is a moderate physicochemical difference between proline and leucine. This variant is present in population databases (rs566536762, ExAC 0.01%). This variant has not been reported in the literature in individuals affected with AGL-related conditions. Algorithms developed to predict the effect of missense changes on protein structure and function (SIFT, PolyPhen-2, Align-GVGD) all suggest that this variant is likely to be tolerated. In summary, the available evidence is currently insufficient to determine the role of this variant in disease. Therefore, it has been classified as a Variant of Uncertain Significance.